The following is an entry in ClinVar:

NM_002691.4(POLD1):c.2666G>C (p.Arg889Pro)

Gene: POLD1 (DNA polymerase delta 1, catalytic subunit; plus strand). Cytogenetic location: 19q13.33.
Variant type: single nucleotide variant.
Coding change: c.2666G>C on transcript NM_002691.4 (MANE Select); coding-DNA position 2666, G replaced by C.
Protein change: p.Arg889Pro; replaces arginine 889 with proline.
Molecular consequence: missense variant. On other transcripts: non-coding transcript variant (1).
Genome position (GRCh38, 1-based): chr19:50,415,539, G>C. VCF-style: chr19-50415539-G-C. GRCh37 (hg19) VCF-style: chr19-50918796-G-C.
Other names: c.2666G>C, p.Arg889Pro (NM_001256849.1); c.2744G>C, p.Arg915Pro (NM_001308632.1); short protein forms R915P, R889P.
Identifiers: ClinVar variation 655040 (VCV000655040.14), dbSNP rs748904485, ClinGen allele CA406985584.

ClinVar aggregate classification (germline): Uncertain significance. Review status: criteria provided, multiple submitters, no conflicts (2 of 4 stars). 2 submissions from 2 submitters: Uncertain significance (2). Last evaluated 2025-09-03.

Conditions:
POLD1-related polyposis and colorectal cancer syndrome (CRCS10). Also called: Colorectal cancer, susceptibility to, 10; Colorectal cancer 10; COLORECTAL CANCER, SUSCEPTIBILITY TO, ON CHROMOSOME 19q. Identifiers: Orphanet 220460, MedGen C2675481, MONDO:0012953, OMIM 612591.
Hereditary cancer-predisposing syndrome. Also called: Hereditary neoplastic syndrome; Tumor predisposition; Hereditary Cancer Syndrome; Neoplastic Syndromes, Hereditary. Identifiers: Orphanet 140162, MedGen C0027672, MeSH D009386, MONDO:0015356.

Submissions (2):

Labcorp Genetics (formerly Invitae), Labcorp
Classification: Uncertain significance for POLD1-related polyposis and colorectal cancer syndrome. Last evaluated: 2025-09-03. Review status: criteria provided, single submitter. Criteria: Invitae Variant Classification Sherloc (09022015). Collection method: clinical testing. Allele origin: germline.
Comment: This sequence change replaces arginine, which is basic and polar, with proline, which is neutral and non-polar, at codon 889 of the POLD1 protein (p.Arg889Pro). This variant is not present in population databases (gnomAD no frequency). This variant has not been reported in the literature in individuals affected with POLD1-related conditions. ClinVar contains an entry for this variant (Variation ID: 655040). Invitae Evidence Modeling of protein sequence and biophysical properties (such as structural, functional, and spatial information, amino acid conservation, physicochemical variation, residue mobility, and thermodynamic stability) indicates that this missense variant is not expected to disrupt POLD1 protein function with a negative predictive value of 80%. In summary, the available evidence is currently insufficient to determine the role of this variant in disease. Therefore, it has been classified as a Variant of Uncertain Significance.

Ambry Genetics
Classification: Uncertain significance for Hereditary cancer-predisposing syndrome. Last evaluated: 2025-01-08. Review status: criteria provided, single submitter. Criteria: Ambry Variant Classification Scheme 2023. Collection method: clinical testing. Allele origin: germline.
Comment: The p.R889P variant (also known as c.2666G>C), located in coding exon 20 of the POLD1 gene, results from a G to C substitution at nucleotide position 2666. The arginine at codon 889 is replaced by proline, an amino acid with dissimilar properties. This amino acid position is conserved. In addition, the in silico prediction for this alteration is inconclusive. Since supporting evidence is limited at this time, the clinical significance of this alteration remains unclear.